The following is an entry in ClinVar:

ClinVar aggregate classification (germline): Uncertain significance (1 of 4 stars; one submission).

Allele frequency attached by ClinVar (database versions not stated): TOPMed below 0.00001; ExAC 0.00001; gnomAD exomes 0.00001.

Submission:

CeGaT Center for Human Genetics Tuebingen
Classification: Uncertain significance. Last evaluated: 2023-06-01. Review status: criteria provided, single submitter. Criteria: CeGaT Center For Human Genetics Tuebingen Variant Classification Criteria Version 2. Collection method: clinical testing. Allele origin: germline. Affected: yes. Observed: 1 variant allele.
Comment: GLI2: PM2, BP4

NM_001374353.1(GLI2):c.4025T>C (p.Met1342Thr)

Gene: GLI2 (GLI family zinc finger 2; plus strand). Cytogenetic location: 2q14.2.
Variant type: single nucleotide variant.
Coding change: c.4025T>C on transcript NM_001374353.1 (MANE Select); coding-DNA position 4025, T replaced by C.
Protein change: p.Met1342Thr; replaces methionine 1342 with threonine.
Molecular consequence: missense variant.
Genome position (GRCh38, 1-based): chr2:120,989,990, T>C. VCF-style: chr2-120989990-T-C. GRCh37 (hg19) VCF-style: chr2-121747566-T-C.
Other names: c.4076T>C, p.Met1359Thr (NM_001371271.1, NM_005270.5); c.3650T>C, p.Met1217Thr (NM_001374354.1); short protein forms M1217T, M1342T, M1359T.
Identifiers: ClinVar variation 2651321 (VCV002651321.24), dbSNP rs755875503, ClinGen allele CA1852538.